The following is an entry in ClinVar:

ClinVar aggregate classification (germline): Benign (1 of 4 stars; one submission).

Conditions:
Cone-rod dystrophy 5 (CORD5). Identifiers: Orphanet 1872, MedGen C1832976, MONDO:0010969, OMIM 600977.

Allele frequency attached by ClinVar (database versions not stated): gnomAD 0.00112 and 0.00115; 1000 Genomes Project 0.00120; TOPMed 0.00124; 1000 Genomes Project 30x 0.00172.

Submission:

Illumina Laboratory Services, Illumina
Classification: Benign for Cone-rod dystrophy 5. Last evaluated: 2018-01-13. Review status: criteria provided, single submitter. Criteria: ICSL Variant Classification Criteria 13 December 2019. Collection method: clinical testing. Allele origin: germline.
Comment: This variant was observed in the ICSL laboratory as part of a predisposition screen in an ostensibly healthy population. It had not been previously curated by ICSL or reported in the Human Gene Mutation Database (HGMD: prior to June 1st, 2018), and was therefore a candidate for classification through an automated scoring system. Utilizing variant allele frequency, disease prevalence and penetrance estimates, and inheritance mode, an automated score was calculated to assess if this variant is too frequent to cause the disease. Based on the score and internal cut-off values, a variant classified as benign is not then subjected to further curation. The score for this variant resulted in a classification of benign for this disease.

NM_031220.4(PITPNM3):c.*2830G>C

Gene: PITPNM3 (PITPNM family member 3; minus strand). Cytogenetic location: 17p13.2.
Variant type: single nucleotide variant.
Coding change: c.*2830G>C on transcript NM_031220.4 (MANE Select); 2830 bases downstream of the stop codon, G replaced by C.
Molecular consequence: 3 prime UTR variant.
Genome position (GRCh38, 1-based): chr17:6,452,508, C>G on the plus strand (G>C on the coding strand, the complement: PITPNM3 is on the minus strand). VCF-style: chr17-6452508-C-G. GRCh37 (hg19) VCF-style: chr17-6355828-C-G.
Other names: c.*2830G>C (NM_001165966.2).
Identifiers: ClinVar variation 890460 (VCV000890460.4), dbSNP rs192300339, ClinGen allele CA287339656.